The following is an entry in ClinVar:

NM_001385012.1(NBEA):c.1946A>G (p.Tyr649Cys)

Gene: NBEA (neurobeachin; plus strand). Cytogenetic location: 13q13.3.
Variant type: single nucleotide variant.
Coding change: c.1946A>G on transcript NM_001385012.1 (MANE Select); coding-DNA position 1946, A replaced by G.
Protein change: p.Tyr649Cys; replaces tyrosine 649 with cysteine.
Molecular consequence: missense variant.
Genome position (GRCh38, 1-based): chr13:35,110,922, A>G. VCF-style: chr13-35110922-A-G. GRCh37 (hg19) VCF-style: chr13-35685059-A-G.
Other names: c.1946A>G, p.Tyr649Cys (NM_001379245.1, NM_015678.5); short protein forms Y649C.
Identifiers: ClinVar variation 930696 (VCV000930696.3), dbSNP rs2066170655, ClinGen allele CA387831212.

ClinVar aggregate classification (germline): Uncertain significance (1 of 4 stars; one submission).

Allele frequency attached by ClinVar (database versions not stated): gnomAD exomes below 0.00001.
gnomAD v4.1: 1 of 1,612,502 alleles (0.000062%); highest among the groups gnomAD compares: Non-Finnish European, 0.000085%; no homozygotes.

Submission:

Centre for Mendelian Genomics, University Medical Centre Ljubljana
Classification: Uncertain significance. Last evaluated: 2019-12-04. Review status: criteria provided, single submitter. Criteria: ACMG Guidelines, 2015. Collection method: clinical testing. Allele origin: unknown. Affected: yes.
Comment: This variant was classified as: Uncertain significance. The available evidence on this variant's pathogenicity is insufficient or conflicting. The following ACMG criteria were applied in classifying this variant: PM2,PP3.